The following is an entry in ClinVar:

ClinVar aggregate classification (germline): Conflicting classifications of pathogenicity. Review status: criteria provided, conflicting classifications (1 of 4 stars). 4 submissions from 4 submitters: Uncertain significance (1); Likely benign (3). Last evaluated 2026-02-25.

Conditions:
Emery-Dreifuss muscular dystrophy 4, autosomal dominant (EDMD4). Also called: EMERY-DREIFUSS MUSCULAR DYSTROPHY 4 WITH VARIABLE FEATURES. Identifiers: Orphanet 261, MedGen C2751807, MONDO:0013071, OMIM 612998.
Autosomal recessive ataxia, Beauce type. Also called: SYNE1-Related Autosomal Recessive Cerebellar Ataxia; Spinocerebellar ataxia, autosomal recessive 8; ATAXIA, RECESSIVE, OF BEAUCE; SYNE1 Deficiency. Identifiers: Orphanet 88644, MedGen C1853116, MONDO:0012549, OMIM 610743.

Allele frequency attached by ClinVar (database versions not stated): TOPMed 0.00002.
gnomAD v4.1: 15 of 1,613,760 alleles (0.00093%); highest among the groups gnomAD compares: Non-Finnish European, 0.0012%; no homozygotes.

Submissions (4):

Women's Health and Genetics/Laboratory Corporation of America, LabCorp
Classification: Likely benign. Last evaluated: 2026-02-25. Review status: criteria provided, single submitter. Criteria: LabCorp Variant Classification Summary - May 2015. Collection method: clinical testing. Allele origin: germline.

Athena Diagnostics
Classification: Likely benign. Last evaluated: 2025-08-28. Review status: criteria provided, single submitter. Criteria: Athena Diagnostics Criteria. Collection method: clinical testing. Allele origin: unknown.
Comment: Computational tools yielded predictions that this variant is unlikely to have an effect on normal RNA splicing. This nucleotide position exhibits low evolutionary conservation.

Labcorp Genetics (formerly Invitae), Labcorp
Classification: Likely benign for Emery-Dreifuss muscular dystrophy 4, autosomal dominant; Autosomal recessive ataxia, Beauce type. Last evaluated: 2024-12-02. Review status: criteria provided, single submitter. Criteria: Invitae Variant Classification Sherloc (09022015). Collection method: clinical testing. Allele origin: germline.

Eurofins Ntd Llc (ga)
Classification: Uncertain significance. Last evaluated: 2016-10-17. Review status: criteria provided, single submitter. Criteria: EGL Classification Definitions 2015. Collection method: clinical testing. Allele origin: germline. Observed: 1 variant allele, 1 heterozygote.

NM_182961.4(SYNE1):c.18849G>A (p.Gly6283=)

Gene: SYNE1 (spectrin repeat containing nuclear envelope protein 1; minus strand). Cytogenetic location: 6q25.2.
Variant type: single nucleotide variant.
Coding change: c.18849G>A on transcript NM_182961.4 (MANE Select); coding-DNA position 18849, G replaced by A.
Protein change: p.Gly6283=; no amino-acid change (glycine 6283 retained).
Molecular consequence: synonymous variant.
Genome position (GRCh38, 1-based): chr6:152,262,155, C>T on the plus strand (G>A on the coding strand, the complement: SYNE1 is on the minus strand). VCF-style: chr6-152262155-C-T. GRCh37 (hg19) VCF-style: chr6-152583290-C-T.
Other names: c.18636G>A, p.Gly6212= (NM_033071.5); c.18849G>A (NM_182961.2).
Identifiers: ClinVar variation 497374 (VCV000497374.17), dbSNP rs776505129, ClinGen allele CA4054830.
Genomic context (GRCh38, chr6:152,262,155, plus strand): 5'-ATGTAGGCTTTCCCATTTCATTCTCATCTGGTCTTCAGCGGATGATTTCTCCCCTTCCAT[C>T]CCCAACTCCTGGGATAACACATCAGGTTTTTCGCTATTAGAAGAATAAATAATCTAAGTT-3'
Protein context (NP_892006.3, residues 6273-6293): EKPDVLSQEL[Gly6283=]MEGEKSSAED